The following is an entry in ClinVar:

ClinVar aggregate classification (germline): Uncertain significance. Review status: criteria provided, multiple submitters, no conflicts (2 of 4 stars). 3 submissions from 3 submitters: Uncertain significance (3). Last evaluated 2025-05-08.

Conditions:
Cardiovascular phenotype. Identifiers: MedGen CN230736.
Familial hypobetalipoproteinemia 1. Also called: APOB-Related Familial Hypobetalipoproteinemia; Hypobetalipoproteinemia, normotriglyceridemic; Acanthocytosis with hypobetalipoproteinemia. Identifiers: MedGen C4551990, MONDO:0014252, OMIM 615558.
Hypercholesterolemia, autosomal dominant, type B (FHCL2). Also called: Familial hypercholesterolemia 2; APOB-Related Familial Hypercholesterolemia, Autosomal Dominant; Familial Hypercholesterolemia Type B; Hyperlipoproteinemia Type IIb; APOLIPOPROTEIN B-100, FAMILIAL DEFECTIVE; APOLIPOPROTEIN B-100, FAMILIAL LIGAND-DEFECTIVE. Identifiers: MedGen C1704417, MONDO:0007751, OMIM 144010.

Allele frequency attached by ClinVar (database versions not stated): TOPMed below 0.00001; gnomAD 0.00001.
gnomAD v4.1: 1 of 1,613,988 alleles (0.000062%); no homozygotes.

Submissions (3):

Ambry Genetics
Classification: Uncertain significance for Cardiovascular phenotype. Last evaluated: 2025-05-08. Review status: criteria provided, single submitter. Criteria: Ambry Variant Classification Scheme 2023. Collection method: clinical testing. Allele origin: germline.
Comment: The p.A3048E variant (also known as c.9143C>A), located in coding exon 26 of the APOB gene, results from a C to A substitution at nucleotide position 9143. The alanine at codon 3048 is replaced by glutamic acid, an amino acid with dissimilar properties. This amino acid position is conserved. In addition, this alteration is predicted to be tolerated by in silico analysis. Based on the available evidence, the clinical significance of this variant remains unclear.

Labcorp Genetics (formerly Invitae), Labcorp
Classification: Uncertain significance for Familial hypobetalipoproteinemia 1; Hypercholesterolemia, autosomal dominant, type B. Last evaluated: 2022-01-21. Review status: criteria provided, single submitter. Criteria: Invitae Variant Classification Sherloc (09022015). Collection method: clinical testing. Allele origin: germline.
Comment: This variant has not been reported in the literature in individuals affected with APOB-related conditions. This variant is not present in population databases (gnomAD no frequency). This sequence change replaces alanine, which is neutral and non-polar, with glutamic acid, which is acidic and polar, at codon 3048 of the APOB protein (p.Ala3048Glu). ClinVar contains an entry for this variant (Variation ID: 1313992). In summary, the available evidence is currently insufficient to determine the role of this variant in disease. Therefore, it has been classified as a Variant of Uncertain Significance. Algorithms developed to predict the effect of missense changes on protein structure and function (SIFT, PolyPhen-2, Align-GVGD) all suggest that this variant is likely to be tolerated.

GeneDx
Classification: Uncertain significance. Last evaluated: 2021-01-12. Review status: criteria provided, single submitter. Criteria: GeneDx Variant Classification Process June 2021. Collection method: clinical testing. Allele origin: germline. Affected: yes.
Comment: Has not been previously published as pathogenic or benign to our knowledge; Not observed in large population cohorts (Lek et al., 2016); In silico analysis supports that this missense variant does not alter protein structure/function

NM_000384.3(APOB):c.9143C>A (p.Ala3048Glu)

Gene: APOB (apolipoprotein B; minus strand). Cytogenetic location: 2p24.1.
Variant type: single nucleotide variant.
Coding change: c.9143C>A on transcript NM_000384.3 (MANE Select); coding-DNA position 9143, C replaced by A.
Protein change: p.Ala3048Glu; replaces alanine 3048 with glutamic acid.
Molecular consequence: missense variant.
Genome position (GRCh38, 1-based): chr2:21,007,725, G>T on the plus strand (C>A on the coding strand, the complement: APOB is on the minus strand). VCF-style: chr2-21007725-G-T. GRCh37 (hg19) VCF-style: chr2-21230597-G-T.
Other names: short protein forms A3048E.
Identifiers: ClinVar variation 1313992 (VCV001313992.7), dbSNP rs1423272093, ClinGen allele CA345990953.
Genomic context (GRCh38, chr2:21,007,725, plus strand): 5'-ATCTTCCCTGTTAACCTTAATGGAAAACGAACTTTCAAATTCCCTTCATTGTTTGTGGAT[G>T]CCGTGATCTCAAATGGCTGGGCTGAAAAGAAAAGAGAATTTTTCAAAGTTCCAATAACCT-3'
Protein context (NP_000375.3, residues 3038-3058): FFSAQPFEIT[Ala3048Glu]STNNEGNLKV